The following is an entry in ClinVar:

NM_004360.5(CDH1):c.2229C>T (p.Pro743=)

Gene: CDH1 (cadherin 1; plus strand). Cytogenetic location: 16q22.1.
Variant type: single nucleotide variant.
Coding change: c.2229C>T on transcript NM_004360.5 (MANE Select); coding-DNA position 2229, C replaced by T.
Protein change: p.Pro743=; no amino-acid change (proline 743 retained).
Molecular consequence: synonymous variant.
Genome position (GRCh38, 1-based): chr16:68,828,238, C>T. VCF-style: chr16-68828238-C-T. GRCh37 (hg19) VCF-style: chr16-68862141-C-T.
Other names: c.2229C>T (LRG_301t1); c.2046C>T, p.Pro682= (NM_001317184.2); c.681C>T, p.Pro227= (NM_001317185.2); c.264C>T, p.Pro88= (NM_001317186.2).
Identifiers: ClinVar variation 481084 (VCV000481084.21), dbSNP rs786203083, ClinGen allele CA496157161.

ClinVar aggregate classification (germline): Benign/Likely benign. Review status: criteria provided, multiple submitters, no conflicts (2 of 4 stars). 5 submissions from 5 submitters: Benign (1); Likely benign (4). Last evaluated 2024-09-23.

Conditions:
Hereditary cancer-predisposing syndrome. Also called: Hereditary neoplastic syndrome; Neoplastic Syndromes, Hereditary; Tumor predisposition; Hereditary Cancer Syndrome. Identifiers: Orphanet 140162, MedGen C0027672, MeSH D009386, MONDO:0015356.
Hereditary diffuse gastric adenocarcinoma (HDGC). Also called: DIFFUSE GASTRIC AND LOBULAR BREAST CANCER SYNDROME. Identifiers: Orphanet 26106, MedGen C1708349, MONDO:0007648, OMIM 137215.

Submissions (5):

Myriad Genetics, Inc.
Classification: Benign for Hereditary diffuse gastric adenocarcinoma. Last evaluated: 2024-09-23. Review status: criteria provided, single submitter. Criteria: Myriad Autosomal Dominant, Autosomal Recessive and X-Linked Classification Criteria (2023). Collection method: clinical testing. Allele origin: unknown.
Comment: This variant is considered benign. This variant is a silent/synonymous amino acid change and it is not expected to impact splicing.

Labcorp Genetics (formerly Invitae), Labcorp
Classification: Likely benign for Hereditary diffuse gastric adenocarcinoma. Last evaluated: 2022-08-19. Review status: criteria provided, single submitter. Criteria: Invitae Variant Classification Sherloc (09022015). Collection method: clinical testing. Allele origin: germline.

Color Diagnostics, LLC DBA Color Health
Classification: Likely benign for Hereditary cancer-predisposing syndrome. Last evaluated: 2021-02-16. Review status: criteria provided, single submitter. Criteria: ACMG Guidelines, 2015. Collection method: clinical testing. Allele origin: germline.

Quest Diagnostics Nichols Institute San Juan Capistrano
Classification: Likely benign. Last evaluated: 2019-05-30. Review status: criteria provided, single submitter. Criteria: Quest Diagnostics criteria. Collection method: clinical testing. Allele origin: germline.

Ambry Genetics
Classification: Likely benign for Hereditary cancer-predisposing syndrome. Last evaluated: 2016-09-06. Review status: criteria provided, single submitter. Criteria: Ambry Variant Classification Scheme 2023. Collection method: clinical testing. Allele origin: germline.